The following is an entry in ClinVar:

ClinVar aggregate classification (germline): Uncertain significance (1 of 4 stars; one submission).

Conditions:
Cystic fibrosis (CF). Also called: MUCOVISCIDOSIS. Identifiers: Orphanet 586, MedGen C0010674, MONDO:0009061, OMIM 219700. Disease mechanism: loss of function.

gnomAD v4.1: 1 of 1,611,604 alleles (0.000062%); highest among the groups gnomAD compares: South Asian, 0.0011%; no homozygotes.

Submission:

Labcorp Genetics (formerly Invitae), Labcorp
Classification: Uncertain significance for Cystic fibrosis. Last evaluated: 2023-02-16. Review status: criteria provided, single submitter. Criteria: Invitae Variant Classification Sherloc (09022015). Collection method: clinical testing. Allele origin: germline.
Comment: An algorithm developed to predict the effect of missense changes on protein structure and function (PolyPhen-2) suggests that this variant is likely to be tolerated. In summary, the available evidence is currently insufficient to determine the role of this variant in disease. Therefore, it has been classified as a Variant of Uncertain Significance. This variant has not been reported in the literature in individuals affected with CFTR-related conditions. This sequence change replaces glycine, which is neutral and non-polar, with arginine, which is basic and polar, at codon 404 of the CFTR protein (p.Gly404Arg). This variant is not present in population databases (gnomAD no frequency).

NM_000492.4(CFTR):c.1210G>A (p.Gly404Arg)

Genes: CFTR (CF transmembrane conductance regulator; plus strand), CFTR-AS1 (CFTR antisense RNA 1; minus strand). Cytogenetic location: 7q31.2.
Variant type: single nucleotide variant.
Coding change: c.1210G>A on transcript NM_000492.4 (MANE Select); coding-DNA position 1210, G replaced by A.
Protein change: p.Gly404Arg; replaces glycine 404 with arginine.
Molecular consequence: missense variant.
Genome position (GRCh38, 1-based): chr7:117,548,641, G>A. VCF-style: chr7-117548641-G-A. GRCh37 (hg19) VCF-style: chr7-117188695-G-A.
Other names: short protein forms G404R.
Identifiers: ClinVar variation 2988284 (VCV002988284.3), dbSNP rs200899224, ClinGen allele CA368981266.